The following is an entry in ClinVar:

ClinVar aggregate classification (germline): Likely benign (1 of 4 stars; one submission).

gnomAD v4.1: 16 of 1,613,902 alleles (0.00099%); highest among the groups gnomAD compares: Non-Finnish European, 0.00017%; no homozygotes.

Submission:

CeGaT Center for Human Genetics Tuebingen
Classification: Likely benign. Last evaluated: 2026-07-01. Review status: criteria provided, single submitter. Criteria: CeGaT Center For Human Genetics Tuebingen Variant Classification Criteria Version 2. Collection method: clinical testing. Allele origin: germline. Affected: yes. Observed: 1 variant allele.
Comment: TIMD4: BP4, BP7

NM_138379.3(TIMD4):c.1050A>G (p.Thr350=)

Gene: TIMD4 (T cell immunoglobulin and mucin domain containing 4; minus strand). Cytogenetic location: 5q33.3.
Variant type: single nucleotide variant.
Coding change: c.1050A>G on transcript NM_138379.3 (MANE Select); coding-DNA position 1050, A replaced by G.
Protein change: p.Thr350=; no amino-acid change (threonine 350 retained).
Molecular consequence: synonymous variant.
Genome position (GRCh38, 1-based): chr5:156,920,466, T>C on the plus strand (A>G on the coding strand, the complement: TIMD4 is on the minus strand). VCF-style: chr5-156920466-T-C. GRCh37 (hg19) VCF-style: chr5-156347477-T-C.
Other names: c.966A>G, p.Thr322= (NM_001146726.2).
Identifiers: ClinVar variation 5039492 (VCV005039492.1).